The following is an entry in ClinVar:

ClinVar aggregate classification (germline): Likely benign. Review status: criteria provided, multiple submitters, no conflicts (2 of 4 stars). 6 submissions from 6 submitters: Likely benign (6). Last evaluated 2024-08-19.

Conditions:
BRCA2-related cancer predisposition. Identifiers: MedGen CN377758, MONDO:0700269.
Hereditary breast ovarian cancer syndrome. Also called: Breast and ovarian cancer; BRCA1- and BRCA2-Associated Hereditary Breast and Ovarian Cancer; Hereditary breast and ovarian cancer; Hereditary breast and ovarian cancer syndrome (HBOC); Hereditary breast and ovarian cancer syndrome; Hereditary breast and/or ovarian cancer syndrome. Identifiers: Orphanet 145, MedGen C0677776, MeSH D061325, MONDO:0003582. Disease mechanism: loss of function.
Hereditary cancer-predisposing syndrome. Also called: Tumor predisposition; Hereditary Cancer Syndrome; Hereditary neoplastic syndrome; Neoplastic Syndromes, Hereditary. Identifiers: Orphanet 140162, MedGen C0027672, MeSH D009386, MONDO:0015356.

Allele frequency attached by ClinVar (database versions not stated): gnomAD exomes below 0.00001.
gnomAD v4.1: 1 of 1,613,508 alleles (0.000062%); highest among the groups gnomAD compares: Non-Finnish European, 0.000085%; no homozygotes.

Submissions (6):

Blueprint Genetics
Classification: Likely benign. Last evaluated: 2024-08-19. Review status: criteria provided, single submitter. Criteria: ACMG Guidelines, 2015. Collection method: clinical testing. Allele origin: germline.

All of Us Research Program, National Institutes of Health
Classification: Likely benign for BRCA2-related cancer predisposition. Last evaluated: 2024-07-29. Review status: criteria provided, single submitter. Criteria: ACMG Guidelines, 2015. Collection method: clinical testing. Allele origin: germline. Inheritance: Autosomal dominant inheritance. Observed: 2 variant alleles, 2 heterozygotes.
Comment: This study involves interpretation of variants in research participants for the purpose of population health screening. Participant phenotype was not available at the time of variant classification. Additional details can be found in publication PMID: 35346344, PMCID: PMC8962531

Labcorp Genetics (formerly Invitae), Labcorp
Classification: Likely benign for Hereditary breast ovarian cancer syndrome. Last evaluated: 2024-04-29. Review status: criteria provided, single submitter. Criteria: Invitae Variant Classification Sherloc (09022015). Collection method: clinical testing. Allele origin: germline.

Quest Diagnostics Nichols Institute San Juan Capistrano
Classification: Likely benign. Last evaluated: 2023-05-01. Review status: criteria provided, single submitter. Criteria: Quest Diagnostics criteria. Collection method: clinical testing. Allele origin: unknown.

Ambry Genetics
Classification: Likely benign for Hereditary cancer-predisposing syndrome. Last evaluated: 2022-03-29. Review status: criteria provided, single submitter. Criteria: Ambry Variant Classification Scheme 2023. Collection method: clinical testing. Allele origin: germline.

Color Diagnostics, LLC DBA Color Health
Classification: Likely benign for Hereditary cancer-predisposing syndrome. Last evaluated: 2018-01-09. Review status: criteria provided, single submitter. Criteria: ACMG Guidelines, 2015. Collection method: clinical testing. Allele origin: germline.

NM_000059.4(BRCA2):c.1239A>G (p.Leu413=)

Gene: BRCA2 (BRCA2 DNA repair associated; plus strand). Cytogenetic location: 13q13.1.
Variant type: single nucleotide variant.
Coding change: c.1239A>G on transcript NM_000059.4 (MANE Select); coding-DNA position 1239, A replaced by G.
Protein change: p.Leu413=; no amino-acid change (leucine 413 retained).
Molecular consequence: synonymous variant.
Genome position (GRCh38, 1-based): chr13:32,332,717, A>G. VCF-style: chr13-32332717-A-G. GRCh37 (hg19) VCF-style: chr13-32906854-A-G.
Identifiers: ClinVar variation 415674 (VCV000415674.20), dbSNP rs1060504624, ClinGen allele CA16613832.